The following is an entry in ClinVar:

ClinVar aggregate classification (germline): Uncertain significance. Review status: criteria provided, multiple submitters, no conflicts (2 of 4 stars). 3 submissions from 3 submitters: Uncertain significance (3). Last evaluated 2025-09-09.

Conditions:
Familial thoracic aortic aneurysm and aortic dissection (TAAD). Also called: Thoracic aortic aneurysms and dissections. Identifiers: Orphanet 91387, MedGen C4707243, MONDO:0019625.
Marfan syndrome (MFS). Also called: Marfan syndrome type 1; Marfan's syndrome; Marfan syndrome, classic; MARFAN SYNDROME, TYPE I; FBN1-Related Marfan Syndrome. Identifiers: Orphanet 284963, Orphanet 558, MedGen C0024796, MONDO:0007947, OMIM 154700.

Allele frequency attached by ClinVar (database versions not stated): gnomAD exomes 0.00001 and 0.00002; ExAC 0.00001; gnomAD 0.00002; TOPMed 0.00002.
gnomAD v4.1: 25 of 1,612,676 alleles (0.0016%); highest among the groups gnomAD compares: Non-Finnish European, 0.0021%; no homozygotes.

Submissions (3):

Color Diagnostics, LLC DBA Color Health
Classification: Uncertain significance for Familial thoracic aortic aneurysm and aortic dissection. Last evaluated: 2025-09-09. Review status: criteria provided, single submitter. Criteria: ACMG Guidelines, 2015. Collection method: clinical testing. Allele origin: germline.
Comment: This missense variant replaces aspartic acid with tyrosine at codon 1967 of the FBN1 protein. Computational prediction suggests that this variant may have deleterious impact on protein structure and function. To our knowledge, functional studies have not been reported for this variant. This variant has not been reported in individuals affected with FBN1-related disorders in the literature. This variant has been identified in 3/281976 chromosomes in the general population by the Genome Aggregation Database (gnomAD). The available evidence is insufficient to determine the role of this variant in disease conclusively. Therefore, this variant is classified as a Variant of Uncertain Significance.

All of Us Research Program, National Institutes of Health
Classification: Uncertain significance for Marfan syndrome. Last evaluated: 2023-11-30. Review status: criteria provided, single submitter. Criteria: ACMG Guidelines, 2015. Collection method: clinical testing. Allele origin: germline. Inheritance: Autosomal dominant inheritance. Observed: 4 variant alleles, 4 heterozygotes.
Comment: This missense variant replaces aspartic acid with tyrosine at codon 1967 of the FBN1 protein. Computational prediction suggests that this variant may have deleterious impact on protein structure and function (internally defined REVEL score threshold >= 0.7, PMID: 27666373). To our knowledge, functional studies have not been reported for this variant. This variant has not been reported in individuals affected with cardiovascular disorders in the literature. This variant has been identified in 3/281976 chromosomes in the general population by the Genome Aggregation Database (gnomAD). The available evidence is insufficient to determine the role of this variant in disease conclusively. Therefore, this variant is classified as a Variant of Uncertain Significance.

This study involves interpretation of variants in research participants for the purpose of population health screening. Participant phenotype was not available at the time of variant classification. Additional details can be found in publication PMID: 35346344, PMCID: PMC8962531

Labcorp Genetics (formerly Invitae), Labcorp
Classification: Uncertain significance for Marfan syndrome; Familial thoracic aortic aneurysm and aortic dissection. Last evaluated: 2023-01-17. Review status: criteria provided, single submitter. Criteria: Invitae Variant Classification Sherloc (09022015). Collection method: clinical testing. Allele origin: germline.
Comment: In summary, the available evidence is currently insufficient to determine the role of this variant in disease. Therefore, it has been classified as a Variant of Uncertain Significance. Advanced modeling of protein sequence and biophysical properties (such as structural, functional, and spatial information, amino acid conservation, physicochemical variation, residue mobility, and thermodynamic stability) performed at Invitae indicates that this missense variant is expected to disrupt FBN1 protein function. ClinVar contains an entry for this variant (Variation ID: 1172082). This variant has not been reported in the literature in individuals affected with FBN1-related conditions. This variant is present in population databases (rs776999627, gnomAD 0.002%). This sequence change replaces aspartic acid, which is acidic and polar, with tyrosine, which is neutral and polar, at codon 1967 of the FBN1 protein (p.Asp1967Tyr).

NM_000138.5(FBN1):c.5899G>T (p.Asp1967Tyr)

Gene: FBN1 (fibrillin 1; minus strand). Cytogenetic location: 15q21.1.
Variant type: single nucleotide variant.
Coding change: c.5899G>T on transcript NM_000138.5 (MANE Select); coding-DNA position 5899, G replaced by T.
Protein change: p.Asp1967Tyr; replaces aspartic acid 1967 with tyrosine.
Molecular consequence: missense variant.
Genome position (GRCh38, 1-based): chr15:48,445,394, C>A on the plus strand (G>T on the coding strand, the complement: FBN1 is on the minus strand). VCF-style: chr15-48445394-C-A. GRCh37 (hg19) VCF-style: chr15-48737591-C-A.
Other names: short protein forms D1967Y.
Identifiers: ClinVar variation 1172082 (VCV001172082.9), dbSNP rs776999627, ClinGen allele CA055790.